The following is an entry in ClinVar:

NM_001182.5(ALDH7A1):c.1009-14C>T

Gene: ALDH7A1 (aldehyde dehydrogenase 7 family member A1; minus strand). Cytogenetic location: 5q23.2.
Variant type: single nucleotide variant.
Coding change: c.1009-14C>T on transcript NM_001182.5 (MANE Select); 14 bases into the intron before coding-DNA position 1009, C replaced by T.
Molecular consequence: intron variant.
Genome position (GRCh38, 1-based): chr5:126,556,029, G>A on the plus strand (C>T on the coding strand, the complement: ALDH7A1 is on the minus strand). VCF-style: chr5-126556029-G-A. GRCh37 (hg19) VCF-style: chr5-125891721-G-A.
Other names: c.1008+3211C>T (NM_001202404.2); c.925-14C>T (NM_001201377.2).
Identifiers: ClinVar variation 377463 (VCV000377463.6), dbSNP rs1057520220, ClinGen allele CA16605213.
Genomic context (GRCh38, chr5:126,556,029, plus strand): 5'-TTTTTAAGTCTGTTTACAACCTCATCATGGATGCTTTCATGTATAAACTAAACGAAAAAA[G>A]ATATTCAAGGGCATAGTATGATAAATGCACACATTTTTAAACAATGAATAATTTCCTTGA-3'

ClinVar aggregate classification (germline): Likely benign. Review status: criteria provided, multiple submitters, no conflicts (2 of 4 stars). 3 submissions from 3 submitters: Likely benign (3). Last evaluated 2023-12-03.

Conditions:
Pyridoxine-dependent epilepsy (EPEO4). Also called: Pyridoxine-Dependent Epilepsy - ALDH7A1; EPILEPSY, EARLY-ONSET, 4, VITAMIN B6-DEPENDENT; Pyridoxine-Dependent Seizures; PYRIDOXINE DEPENDENCY WITH SEIZURES. Identifiers: Orphanet 3006, MedGen C1849508, MONDO:0009945, OMIM 266100. Disease mechanism: loss of function.

Allele frequency attached by ClinVar (database versions not stated): TOPMed 0.00001.
gnomAD v4.1: 4 of 1,578,838 alleles (0.00025%); highest among the groups gnomAD compares: Middle Eastern, 0.017%; no homozygotes.

Submissions (3):

Labcorp Genetics (formerly Invitae), Labcorp
Classification: Likely benign for Pyridoxine-dependent epilepsy. Last evaluated: 2023-12-03. Review status: criteria provided, single submitter. Criteria: Invitae Variant Classification Sherloc (09022015). Collection method: clinical testing. Allele origin: germline.

Genome-Nilou Lab
Classification: Likely benign for Pyridoxine-dependent epilepsy. Last evaluated: 2023-04-11. Review status: criteria provided, single submitter. Criteria: ACMG Guidelines, 2015. Collection method: clinical testing. Allele origin: germline. Affected: no.

GeneDx
Classification: Likely benign. Last evaluated: 2016-06-07. Review status: criteria provided, single submitter. Criteria: GeneDx Variant Classification (06012015). Collection method: clinical testing. Allele origin: germline. Affected: yes.
Comment: This variant is considered likely benign or benign based on one or more of the following criteria: it is a conservative change, it occurs at a poorly conserved position in the protein, it is predicted to be benign by multiple in silico algorithms, and/or has population frequency not consistent with disease.